The following is an entry in ClinVar:

NM_001370259.2(MEN1):c.274C>G (p.Arg92Gly)

Gene: MEN1 (menin 1; minus strand). Cytogenetic location: 11q13.1.
Variant type: single nucleotide variant.
Coding change: c.274C>G on transcript NM_001370259.2 (MANE Select); coding-DNA position 274, C replaced by G.
Protein change: p.Arg92Gly; replaces arginine 92 with glycine.
Molecular consequence: missense variant.
Genome position (GRCh38, 1-based): chr11:64,809,836, G>C on the plus strand (C>G on the coding strand, the complement: MEN1 is on the minus strand). VCF-style: chr11-64809836-G-C. GRCh37 (hg19) VCF-style: chr11-64577308-G-C.
Other names: c.274C>G, p.Arg92Gly (NM_000244.4, NM_001370251.2, NM_001370260.2 and 9 more transcripts); short protein forms R92G.
Identifiers: ClinVar variation 946988 (VCV000946988.10), dbSNP rs1488275961, ClinGen allele CA381187507.
Genomic context (GRCh38, chr11:64,809,836, plus strand): 5'-CACCCCCTTCTCGAGGATAGAGGGACAGGTCGACGGCGCCTCGGATCTGGGCGGTGAAGC[G>C]GGCATAGAGGGCGGCGATGATAGACAGGTCGGCCACGGGAAAGTAGGTGAGGCCGCCAGG-3'
Protein context (NP_001357188.2, residues 82-102): DLSIIAALYA[Arg92Gly]FTAQIRGAVD

ClinVar aggregate classification (germline): Uncertain significance. Review status: criteria provided, multiple submitters, no conflicts (2 of 4 stars). 4 submissions from 4 submitters: Uncertain significance (4). Last evaluated 2026-07-16.

Conditions:
Multiple endocrine neoplasia, type 1 (MEN1). Also called: MEN I; WERMER SYNDROME; Endocrine adenomatosis multiple; MEN 1; MEA I. Identifiers: Orphanet 652, MedGen C0025267, MeSH D018761, MONDO:0007540, OMIM 131100.
Hereditary cancer-predisposing syndrome. Also called: Neoplastic Syndromes, Hereditary; Hereditary Cancer Syndrome; Tumor predisposition; Hereditary neoplastic syndrome. Identifiers: Orphanet 140162, MedGen C0027672, MeSH D009386, MONDO:0015356.

Allele frequency attached by ClinVar (database versions not stated): TOPMed below 0.00001; gnomAD exomes below 0.00001.
gnomAD v4.1: 2 of 1,613,416 alleles (0.00012%); highest among the groups gnomAD compares: African/African-American, 0.0027%; no homozygotes.

Submissions (4):

Ambry Genetics
Classification: Uncertain significance for Hereditary cancer-predisposing syndrome. Last evaluated: 2026-07-16. Review status: criteria provided, single submitter. Criteria: Ambry Variant Classification Scheme 2023. Collection method: clinical testing. Allele origin: germline.
Comment: The p.R92G variant (also known as c.274C>G), located in coding exon 1 of the MEN1 gene, results from a C to G substitution at nucleotide position 274. The arginine at codon 92 is replaced by glycine, an amino acid with dissimilar properties. This amino acid position is conserved. In addition, this alteration is predicted to be deleterious by in silico analysis. Based on the available evidence, the clinical significance of this variant remains unclear.

All of Us Research Program, National Institutes of Health
Classification: Uncertain significance for Multiple endocrine neoplasia, type 1. Last evaluated: 2024-07-29. Review status: criteria provided, single submitter. Criteria: ACMG Guidelines, 2015. Collection method: clinical testing. Allele origin: germline. Inheritance: Autosomal dominant inheritance. Observed: 1 variant allele, 1 heterozygote.
Comment: This missense variant replaces arginine with glycine at codon 92 of the MEN1 protein. Computational prediction suggests that this variant may have deleterious impact on protein structure and function (internally defined REVEL score threshold >= 0.7, PMID: 27666373). To our knowledge, functional studies have not been reported for this variant. This variant has not been reported in individuals affected with MEN1-related disorders in the literature. This variant has been identified in 1/248428 chromosomes in the general population by the Genome Aggregation Database (gnomAD). The available evidence is insufficient to determine the role of this variant in disease conclusively. Therefore, this variant is classified as a Variant of Uncertain Significance.

This study involves interpretation of variants in research participants for the purpose of population health screening. Participant phenotype was not available at the time of variant classification. Additional details can be found in publication PMID: 35346344, PMCID: PMC8962531

Labcorp Genetics (formerly Invitae), Labcorp
Classification: Uncertain significance for Multiple endocrine neoplasia, type 1. Last evaluated: 2023-10-04. Review status: criteria provided, single submitter. Criteria: Invitae Variant Classification Sherloc (09022015). Collection method: clinical testing. Allele origin: germline.
Comment: This sequence change replaces arginine, which is basic and polar, with glycine, which is neutral and non-polar, at codon 92 of the MEN1 protein (p.Arg92Gly). This variant is present in population databases (no rsID available, gnomAD 0.007%). This variant has not been reported in the literature in individuals affected with MEN1-related conditions. ClinVar contains an entry for this variant (Variation ID: 946988). Advanced modeling of protein sequence and biophysical properties (such as structural, functional, and spatial information, amino acid conservation, physicochemical variation, residue mobility, and thermodynamic stability) performed at Invitae indicates that this missense variant is expected to disrupt MEN1 protein function. In summary, the available evidence is currently insufficient to determine the role of this variant in disease. Therefore, it has been classified as a Variant of Uncertain Significance.

GeneDx
Classification: Uncertain significance. Last evaluated: 2023-05-11. Review status: criteria provided, single submitter. Criteria: GeneDx Variant Classification Process June 2021. Collection method: clinical testing. Allele origin: germline. Affected: yes.
Comment: Not observed at significant frequency in large population cohorts (gnomAD); In silico analysis supports that this missense variant has a deleterious effect on protein structure/function; Has not been previously published as pathogenic or benign to our knowledge